The following is an entry in ClinVar:

NM_001003694.2(BRPF1):c.2943C>T (p.Ser981=)

Gene: BRPF1 (bromodomain and PHD finger containing 1; plus strand). Cytogenetic location: 3p25.3.
Variant type: single nucleotide variant.
Coding change: c.2943C>T on transcript NM_001003694.2 (MANE Select); coding-DNA position 2943, C replaced by T.
Protein change: p.Ser981=; no amino-acid change (serine 981 retained).
Molecular consequence: synonymous variant. On other transcripts: non-coding transcript variant (1).
Genome position (GRCh38, 1-based): chr3:9,745,030, C>T. VCF-style: chr3-9745030-C-T. GRCh37 (hg19) VCF-style: chr3-9786714-C-T.
Other names: c.2640C>T, p.Ser880= (NM_001319049.2); c.2922C>T, p.Ser974= (NM_001319050.2); c.2925C>T, p.Ser975= (NM_004634.3).
Identifiers: ClinVar variation 731147 (VCV000731147.6), dbSNP rs143643881, ClinGen allele CA2242261.

ClinVar aggregate classification (germline): Likely benign. Review status: criteria provided, multiple submitters, no conflicts (2 of 4 stars). 3 submissions from 3 submitters: Likely benign (2). 1 of the submissions does not count toward it. Last evaluated 2026-09-01.

Conditions:
BRPF1-related disorder. Also called: BRPF1-related condition.

Allele frequency attached by ClinVar (database versions not stated): gnomAD exomes 0.00007 and 0.00014; ExAC 0.00017; ESP Exome Variant Server 0.00023; gnomAD 0.00026 and 0.00033; TOPMed 0.00026; 1000 Genomes Project 0.00040; 1000 Genomes Project 30x 0.00047.
gnomAD v4.1: 173 of 1,614,222 alleles (0.011%); highest among the groups gnomAD compares: African/African-American, 0.096%; 1 homozygote.

Submissions (3):

CeGaT Center for Human Genetics Tuebingen
Classification: Likely benign. Last evaluated: 2026-09-01. Review status: criteria provided, single submitter. Criteria: CeGaT Center For Human Genetics Tuebingen Variant Classification Criteria Version 2. Collection method: clinical testing. Allele origin: germline. Affected: yes. Observed: 1 variant allele.
Comment: BRPF1: BP4, BP7

Labcorp Genetics (formerly Invitae), Labcorp
Classification: Likely benign. Last evaluated: 2018-07-06. Review status: criteria provided, single submitter. Criteria: Invitae Variant Classification Sherloc (09022015). Collection method: clinical testing. Allele origin: germline.

PreventionGenetics, part of Exact Sciences
Classification: Likely benign for BRPF1-related condition. Last evaluated: 2019-05-07. Review status: no assertion criteria provided. Collection method: clinical testing. Allele origin: germline. Not counted in ClinVar's aggregate classification.
Comment: This variant is classified as likely benign based on ACMG/AMP sequence variant interpretation guidelines (Richards et al. 2015 PMID: 25741868, with internal and published modifications).